The following is an entry in ClinVar:

ClinVar aggregate classification (germline): Uncertain significance (1 of 4 stars; one submission).

Conditions:
Glycogen storage disease, type II (IOPD). Also called: Pompe Disease; CARDIOMEGALIA GLYCOGENICA DIFFUSA; GLYCOGENOSIS, GENERALIZED, CARDIAC FORM; GSD II; POMPE DISEASE, INFANTILE-ONSET; GLYCOGEN STORAGE DISEASE II, INFANTILE-ONSET. Identifiers: Orphanet 365, MedGen C0017921, MONDO:0009290, OMIM 232300.

Submission:

Genomenon, Inc
Classification: Uncertain significance for Glycogen storage disease, type II. Last evaluated: 2026-07-01. Review status: criteria provided, single submitter. Criteria: Genomenon Sequence Variant Interpretation Standards - Updated. Collection method: curation. Allele origin: germline. Affected: no.
Comment: GAA p.Asp404Glu (c.1212C>G) is a missense variant that changes the amino acid at codon 404 from Aspartic acid to Glutamic acid. This variant has been reported in the published literature (PMID:30155607;33560568). The variant is located in a mutational hotspot and/or important functional domain. It is absent or not present at a significant frequency in gnomAD. In silico models predict that this variant is possibly or probably damaging. In conclusion, we classify GAA p.Asp404Glu (c.1212C>G) as a variant of uncertain significance.

Literature cited by the submitters: PubMed 30155607; PubMed 33560568.

NM_000152.5(GAA):c.1212C>G (p.Asp404Glu)

Gene: GAA (alpha glucosidase; plus strand). Cytogenetic location: 17q25.3.
Variant type: single nucleotide variant.
Coding change: c.1212C>G on transcript NM_000152.5 (MANE Select); coding-DNA position 1212, C replaced by G.
Protein change: p.Asp404Glu; replaces aspartic acid 404 with glutamic acid.
Molecular consequence: missense variant.
Genome position (GRCh38, 1-based): chr17:80,108,714, C>G. VCF-style: chr17-80108714-C-G. GRCh37 (hg19) VCF-style: chr17-78082513-C-G.
Other names: c.1212C>G, p.Asp404Glu (NM_001079803.3, NM_001079804.3, NM_001406741.1 and 1 more transcripts); short protein forms D404E.
Identifiers: ClinVar variation 4876467 (VCV004876467.1).